The following is an entry in ClinVar:

NM_001848.3(COL6A1):c.445G>A (p.Glu149Lys)

Gene: COL6A1 (collagen type VI alpha 1 chain; plus strand). Cytogenetic location: 21q22.3.
Variant type: single nucleotide variant.
Coding change: c.445G>A on transcript NM_001848.3 (MANE Select); coding-DNA position 445, G replaced by A.
Protein change: p.Glu149Lys; replaces glutamic acid 149 with lysine.
Molecular consequence: missense variant.
Genome position (GRCh38, 1-based): chr21:45,986,542, G>A. VCF-style: chr21-45986542-G-A. GRCh37 (hg19) VCF-style: chr21-47406456-G-A.
Other names: short protein forms E149K.
Identifiers: ClinVar variation 2738789 (VCV002738789.3), dbSNP rs2526314798, ClinGen allele CA410517685.

ClinVar aggregate classification (germline): Uncertain significance (1 of 4 stars; one submission).

Conditions:
Bethlem myopathy 1A. Also called: Bethlem myopathy 1; Bethlem Muscular Dystrophy; MYOPATHY, BENIGN CONGENITAL, WITH CONTRACTURES. Identifiers: Orphanet 610, MedGen CN029274, MONDO:0024530, OMIM 158810.

Submission:

Labcorp Genetics (formerly Invitae), Labcorp
Classification: Uncertain significance for Bethlem myopathy 1A. Last evaluated: 2023-07-10. Review status: criteria provided, single submitter. Criteria: Invitae Variant Classification Sherloc (09022015). Collection method: clinical testing. Allele origin: germline.
Comment: This variant is not present in population databases (gnomAD no frequency). This variant has not been reported in the literature in individuals affected with COL6A1-related conditions. Advanced modeling of protein sequence and biophysical properties (such as structural, functional, and spatial information, amino acid conservation, physicochemical variation, residue mobility, and thermodynamic stability) performed at Invitae indicates that this missense variant is not expected to disrupt COL6A1 protein function. In summary, the available evidence is currently insufficient to determine the role of this variant in disease. Therefore, it has been classified as a Variant of Uncertain Significance. This sequence change replaces glutamic acid, which is acidic and polar, with lysine, which is basic and polar, at codon 149 of the COL6A1 protein (p.Glu149Lys).